The following is an entry in ClinVar:

NM_032656.4(DHX37):c.1399C>G (p.Leu467Val)

Gene: DHX37 (DEAH-box helicase 37; minus strand). Cytogenetic location: 12q24.31.
Variant type: single nucleotide variant.
Coding change: c.1399C>G on transcript NM_032656.4 (MANE Select); coding-DNA position 1399, C replaced by G.
Protein change: p.Leu467Val; replaces leucine 467 with valine.
Molecular consequence: missense variant.
Genome position (GRCh38, 1-based): chr12:124,968,543, G>C on the plus strand (C>G on the coding strand, the complement: DHX37 is on the minus strand). VCF-style: chr12-124968543-G-C. GRCh37 (hg19) VCF-style: chr12-125453089-G-C.
Other names: c.1399C>G (NM_032656.3); short protein forms L467V.
Identifiers: ClinVar variation 691925 (VCV000691925.43), dbSNP rs149331610, ClinGen allele CA6872053.

ClinVar aggregate classification (germline): Uncertain significance. Review status: criteria provided, multiple submitters, no conflicts (2 of 4 stars). 5 submissions from 5 submitters: Uncertain significance (3). 2 of the submissions do not count toward it. Last evaluated 2026-06-01.

Conditions:
Intellectual disability. Also called: Intellectual functioning disability; intellectual disabilities; Intellectual developmental disorder. Identifiers: MedGen C3714756, MeSH D008607, MONDO:0001071, HP:0001249.
Neurodevelopmental delay. Identifiers: MedGen C4022738, HP:0012758.
Seizure. Also called: Seizures. Identifiers: MedGen C0036572, HP:0001250.
Neurodevelopmental disorders.

Allele frequency attached by ClinVar (database versions not stated): 1000 Genomes Project 30x 0.00016; 1000 Genomes Project 0.00020; gnomAD 0.00021 and 0.00022; TOPMed 0.00026; gnomAD exomes 0.00030.
gnomAD v4.1: 469 of 1,613,314 alleles (0.029%); highest among the groups gnomAD compares: Non-Finnish European, 0.035%; no homozygotes.

Submissions (5):

CeGaT Center for Human Genetics Tuebingen
Classification: Uncertain significance. Last evaluated: 2026-06-01. Review status: criteria provided, single submitter. Criteria: CeGaT Center For Human Genetics Tuebingen Variant Classification Criteria Version 2. Collection method: clinical testing. Allele origin: germline. Affected: yes. Observed: 2 variant alleles.
Comment: DHX37: PM2

Dasa
Classification: Uncertain significance. Last evaluated: 2026-02-05. Review status: criteria provided, single submitter. Criteria: DASA Assertion Criteria. Collection method: clinical testing. Allele origin: germline.
Comment: NM_032656.4(DHX37):c.1399C>G (p.Leu467Val) is a missense variant that results in the substitution of leucine with valine. This variant has been observed in affected individuals with DHX37-related disorders. Also, this variant is rare in population databases. The currently available literature and clinical evidence are not sufficient to establish a definitive association between this variant and the reported condition. Therefore, this variant is classified as a variant of uncertain significance.

Labcorp Genetics (formerly Invitae), Labcorp
Classification: Uncertain significance. Last evaluated: 2025-08-07. Review status: criteria provided, single submitter. Criteria: Invitae Variant Classification Sherloc (09022015). Collection method: clinical testing. Allele origin: germline.
Comment: This sequence change replaces leucine, which is neutral and non-polar, with valine, which is neutral and non-polar, at codon 467 of the DHX37 protein (p.Leu467Val). This variant is present in population databases (rs149331610, gnomAD 0.03%). This missense change has been observed in individual(s) with autosomal recessive DHX37-related conditions and/or disorder of sexual development (PMID: 31256877, 35134971, 37240737). ClinVar contains an entry for this variant (Variation ID: 691925). Invitae Evidence Modeling of protein sequence and biophysical properties (such as structural, functional, and spatial information, amino acid conservation, physicochemical variation, residue mobility, and thermodynamic stability) indicates that this missense variant is expected to disrupt DHX37 protein function with a positive predictive value of 80%. In summary, the available evidence is currently insufficient to determine the role of this variant in disease. Therefore, it has been classified as a Variant of Uncertain Significance.

Lupski Lab, Baylor-Hopkins CMG, Baylor College of Medicine
Classification: Likely pathogenic for Neurodevelopmental delay; Intellectual disability; Seizure. Last evaluated: 2019-05-30. Review status: no assertion criteria provided. Collection method: research. Allele origin: inherited. Affected: yes. Not counted in ClinVar's aggregate classification.

University of Washington Center for Mendelian Genomics, University of Washington
Classification: Uncertain significance for Neurodevelopmental disorders. Review status: no assertion criteria provided. Collection method: research. Allele origin: inherited. Affected: yes. Not counted in ClinVar's aggregate classification.

Literature cited by the submitters: PubMed 31256877 (cited by Labcorp Genetics (formerly Invitae), Labcorp and University of Washington Center for Mendelian Genomics, University of Washington); PubMed 35134971 (cited by Labcorp Genetics (formerly Invitae), Labcorp); PubMed 37240737 (cited by Labcorp Genetics (formerly Invitae), Labcorp).